The following is an entry in ClinVar:

ClinVar aggregate classification (germline): Likely benign (1 of 4 stars; one submission).

Conditions:
ABCC12-related condition.

Submission:

PreventionGenetics, part of Exact Sciences
Classification: Likely benign for ABCC12-related condition. Last evaluated: 2026-02-06. Review status: criteria provided, single submitter. Criteria: ACMG Guidelines, 2015. Collection method: clinical testing. Allele origin: germline.
Comment: This variant is classified as likely benign based on ACMG/AMP sequence variant interpretation guidelines (Richards et al. 2015 PMID: 25741868, with internal and published modifications).

NM_001393797.1(ABCC12):c.1786-10C>A

Gene: ABCC12 (ATP binding cassette subfamily C member 12; minus strand). Cytogenetic location: 16q12.1.
Variant type: single nucleotide variant.
Coding change: c.1786-10C>A on transcript NM_001393797.1 (MANE Select); 10 bases into the intron before coding-DNA position 1786, C replaced by A.
Molecular consequence: intron variant.
Genome position (GRCh38, 1-based): chr16:48,115,628, G>T on the plus strand (C>A on the coding strand, the complement: ABCC12 is on the minus strand). VCF-style: chr16-48115628-G-T. GRCh37 (hg19) VCF-style: chr16-48149539-G-T.
Other names: c.1786-10C>A (NM_033226.3).
Identifiers: ClinVar variation 4993847 (VCV004993847.1).